The following is an entry in ClinVar:

NM_024529.5(CDC73):c.629A>G (p.Gln210Arg)

Gene: CDC73 (cell division cycle 73; plus strand). Cytogenetic location: 1q31.2.
Variant type: single nucleotide variant.
Coding change: c.629A>G on transcript NM_024529.5 (MANE Select); coding-DNA position 629, A replaced by G.
Protein change: p.Gln210Arg; replaces glutamine 210 with arginine.
Molecular consequence: missense variant.
Genome position (GRCh38, 1-based): chr1:193,141,966, A>G. VCF-style: chr1-193141966-A-G. GRCh37 (hg19) VCF-style: chr1-193111096-A-G.
Other names: short protein forms Q210R.
Identifiers: ClinVar variation 1752683 (VCV001752683.5), dbSNP rs2527324555, ClinGen allele CA343962589.

ClinVar aggregate classification (germline): Uncertain significance. Review status: criteria provided, multiple submitters, no conflicts (2 of 4 stars). 2 submissions from 2 submitters: Uncertain significance (2). Last evaluated 2023-03-27.

Conditions:
Hereditary cancer-predisposing syndrome. Also called: Hereditary Cancer Syndrome; Hereditary neoplastic syndrome; Neoplastic Syndromes, Hereditary; Tumor predisposition. Identifiers: Orphanet 140162, MedGen C0027672, MeSH D009386, MONDO:0015356.
Parathyroid carcinoma (PRTC). Also called: CDC73-Related Parathyroid Carcinoma; Parathyroid gland carcinoma. Identifiers: Orphanet 143, MedGen C0687150, MONDO:0012004, OMIM 608266, HP:0006780.

Allele frequency attached by ClinVar (database versions not stated): gnomAD exomes below 0.00001.
gnomAD v4.1: 1 of 1,613,934 alleles (0.000062%); highest among the groups gnomAD compares: Non-Finnish European, 0.000085%; no homozygotes.

Submissions (2):

Labcorp Genetics (formerly Invitae), Labcorp
Classification: Uncertain significance for Parathyroid carcinoma. Last evaluated: 2023-03-27. Review status: criteria provided, single submitter. Criteria: Invitae Variant Classification Sherloc (09022015). Collection method: clinical testing. Allele origin: germline.
Comment: ClinVar contains an entry for this variant (Variation ID: 1752683). This variant has not been reported in the literature in individuals affected with CDC73-related conditions. This variant is not present in population databases (gnomAD no frequency). This sequence change replaces glutamine, which is neutral and polar, with arginine, which is basic and polar, at codon 210 of the CDC73 protein (p.Gln210Arg). Advanced modeling of protein sequence and biophysical properties (such as structural, functional, and spatial information, amino acid conservation, physicochemical variation, residue mobility, and thermodynamic stability) performed at Invitae indicates that this missense variant is not expected to disrupt CDC73 protein function. In summary, the available evidence is currently insufficient to determine the role of this variant in disease. Therefore, it has been classified as a Variant of Uncertain Significance.

Ambry Genetics
Classification: Uncertain significance for Hereditary cancer-predisposing syndrome. Last evaluated: 2022-02-03. Review status: criteria provided, single submitter. Criteria: Ambry Variant Classification Scheme 2023. Collection method: clinical testing. Allele origin: germline.
Comment: The p.Q210R variant (also known as c.629A>G), located in coding exon 7 of the CDC73 gene, results from an A to G substitution at nucleotide position 629. The glutamine at codon 210 is replaced by arginine, an amino acid with highly similar properties. This amino acid position is conserved. In addition, the in silico prediction for this alteration is inconclusive. Since supporting evidence is limited at this time, the clinical significance of this alteration remains unclear.